The following is an entry in ClinVar:

NM_000166.6(GJB1):c.533A>C (p.Asp178Ala)

Gene: GJB1 (gap junction protein beta 1; plus strand). Cytogenetic location: Xq13.1.
Variant type: single nucleotide variant.
Coding change: c.533A>C on transcript NM_000166.6 (MANE Select); coding-DNA position 533, A replaced by C.
Protein change: p.Asp178Ala; replaces aspartic acid 178 with alanine.
Molecular consequence: missense variant.
Genome position (GRCh38, 1-based): chrX:71,224,240, A>C. VCF-style: chrX-71224240-A-C. GRCh37 (hg19) VCF-style: chrX-70444090-A-C.
Other names: c.533A>C, p.Asp178Ala (NM_001097642.3); short protein forms D178A.
Identifiers: ClinVar variation 1473075 (VCV001473075.6), dbSNP rs1555937224, ClinGen allele CA413503022.

ClinVar aggregate classification (germline): Uncertain significance (1 of 4 stars; one submission).

Conditions:
Charcot-Marie-Tooth Neuropathy X. Identifiers: MedGen CN118851.

Submission:

Labcorp Genetics (formerly Invitae), Labcorp
Classification: Uncertain significance for Charcot-Marie-Tooth Neuropathy X. Last evaluated: 2021-10-27. Review status: criteria provided, single submitter. Criteria: Invitae Variant Classification Sherloc (09022015). Collection method: clinical testing. Allele origin: germline.
Comment: In summary, the available evidence is currently insufficient to determine the role of this variant in disease. Therefore, it has been classified as a Variant of Uncertain Significance. Algorithms developed to predict the effect of missense changes on protein structure and function (SIFT, PolyPhen-2, Align-GVGD) all suggest that this variant is likely to be disruptive. This sequence change replaces aspartic acid, a(n) acidic and polar amino acid, with alanine, a(n) neutral and non-polar amino acid, at codon 178 of the GJB1 protein (p.Asp178Ala). This variant is not present in population databases (gnomAD no frequency). This variant has not been reported in the literature in individuals affected with GJB1-related conditions.